The following is an entry in ClinVar:

GRCh37/hg19 5p15.33-14.3(chr5:113577-21529653)x1

Genes: LRRC14B (leucine rich repeat containing 14B; plus strand), MARCHF11 (membrane associated ring-CH-type finger 11; minus strand), MARCHF6 (membrane associated ring-CH-type finger 6; plus strand), MED10 (mediator complex subunit 10; minus strand), MRPL36 (mitochondrial ribosomal protein L36; minus strand) and 59 more. Cytogenetic location: 5p15.33-14.3.
Variant type: copy number loss.
Change: copy number 1 (one copy instead of two) of chr5:113,577-21,529,653 (21.42 Mb, GRCh37 coordinates, 1-based), cytogenetic band 5p15.33-14.3.
Identifiers: ClinVar variation 2685142 (VCV002685142.1).

ClinVar aggregate classification (germline): Pathogenic (1 of 4 stars; one submission).

Submission:

Quest Diagnostics Nichols Institute San Juan Capistrano
Classification: Pathogenic. Last evaluated: 2023-08-13. Review status: criteria provided, single submitter. Criteria: ACMG/ClinGen CNV Guidelines, 2019. Collection method: clinical testing. Allele origin: unknown.
Comment: This terminal deletion of 5p contains the region associated with Cri-du-chat syndrome (ISCA-37390; OMIM 123450; Ajitkumar et al., StatPearls. [2022 Oct 25]. PMID: 29494067, Zhang et al., Am J Hum Genet. 2005 Feb;76(2):312-26. PMID: 15635506). Thus, this CNV is classified as pathogenic.